The following is an entry in ClinVar:

NM_000518.5(HBB):c.82G>T (p.Ala28Ser)

Genes: HBB (hemoglobin subunit beta; minus strand), LOC106099062 (HBB recombination region; plus strand), LOC107133510 (origin of replication at HBB; plus strand). Cytogenetic location: 11p15.4.
Variant type: single nucleotide variant.
Coding change: c.82G>T on transcript NM_000518.5 (MANE Select); coding-DNA position 82, G replaced by T.
Protein change: p.Ala28Ser; replaces alanine 28 with serine.
Molecular consequence: missense variant.
Genome position (GRCh38, 1-based): chr11:5,226,940, C>A on the plus strand (G>T on the coding strand, the complement: HBB is on the minus strand). VCF-style: chr11-5226940-C-A. GRCh37 (hg19) VCF-style: chr11-5248170-C-A.
Other names: A27S; cd27 G>T; CD 27 GCC>TCC [Ala>Ser]; short protein forms A28S.
Identifiers: ClinVar variation 15239 (VCV000015239.52), dbSNP rs35424040, ClinGen allele CA124983.

ClinVar aggregate classification (germline): Pathogenic. Review status: reviewed by expert panel (3 of 4 stars). 18 submissions from 16 submitters: Pathogenic (1). 17 of the submissions do not count toward it. Last evaluated 2026-04-07.

Conditions:
Hb SS disease (SCD). Also called: Hemoglobin SS; Sickle cell anemia; Sickle cell disease; HbS disease; Hemoglobin S Disease; Sickling disorder due to hemoglobin S. Identifiers: Orphanet 232, Orphanet 275752, MedGen C0002895, MONDO:0011382, OMIM 603903.
Heinz body anemia. Also called: Heinz body hemolytic anemia. Identifiers: Orphanet 178330, MedGen C0700299, MONDO:0007705, OMIM 140700, HP:0005511.
Dominant beta-thalassemia. Also called: Beta-thalassemia, dominant inclusion body type. Identifiers: Orphanet 231226, Orphanet 848, MedGen C1858990, MONDO:0011381, OMIM 603902.
Beta-thalassemia HBB/LCRB. Identifiers: MedGen CN322236, MONDO:0013517, OMIM 613985.
Erythrocytosis, familial, 6. Also called: POLYCYTHEMIA, BETA-GLOBIN TYPE; ERYTHROCYTOSIS, BETA-GLOBIN TYPE. Identifiers: MedGen C4693822, MONDO:0054801, OMIM 617980.
METHEMOGLOBINEMIA, BETA TYPE. Also called: Methemoglobinemia, beta-globin type. Identifiers: MedGen C1840779, OMIM 617971.
Malaria, susceptibility to. Identifiers: Orphanet 673, MedGen C1970028, MONDO:0021024, OMIM 611162.
Hereditary persistence of fetal hemoglobin. Identifiers: MedGen C0019025, MONDO:0020989, OMIM 141749.
Hemoglobinopathy. Also called: Haemoglobinopathies; Hemoglobin disorder. Identifiers: MedGen C0019045, MONDO:0044348.
BETA-PLUS-THALASSEMIA. Identifiers: MedGen C3841475.
Beta-Knossos-thalassemia. Identifiers: MedGen C4017494.
HEMOGLOBIN KNOSSOS.
beta Thalassemia (BTHAL). Also called: Cooley's anemia; Erythroblastic anemia; Mediterranean anemia. Identifiers: Orphanet 848, MedGen C0005283, MONDO:0019402. Disease mechanism: loss of function.

Allele frequency attached by ClinVar (database versions not stated): ExAC 0.00001; TOPMed 0.00002; gnomAD exomes below 0.00001 and 0.00001; gnomAD 0.00002.
gnomAD v4.1: 4 of 1,613,406 alleles (0.00025%); highest among the groups gnomAD compares: African/African-American, 0.0027%; no homozygotes.

Submissions 1 to 6 of 18:

ClinGen Hemoglobinopathy Variant Curation Expert Panel, ClinGen
Classification: Pathogenic for Beta-thalassemia HBB/LCRB. Last evaluated: 2026-04-07. Review status: reviewed by expert panel. Criteria: ClinGen Hb Opathy ACMG Specifications HBB V1.0.0. Collection method: curation. Allele origin: germline. Inheritance: Autosomal recessive inheritance.
Comment: The c.82G>T (p.Ala28Ser) variant is located in the HBB gene. This variant has been reported in 12 unrelated individuals displaying a hematological phenotype consistent with beta thalassemia trait (reduced MCV and MCH with normal or increased RBC count), giving a total score of 2.15 [PS4_M; PMID: 7104238; 3955238; The Hemoglobinopathies Laboratory, Department of Human and Clinical Genetics, Leiden University Medical Center; Department of Medical Genetics, National and Kapodistrian University of Athens]. This variant has been reported to segregate with a beta-thalassemia intermedia phenotype in 8 affected family members from 4 families. The total number of unaffected segregations is 8 with a LOD score of 5.81 [PP1_S; PMID:7104238; 3955238; 25332589; 30777047; 17949282]. It was detected in combination with a pathogenic variant in one affected individual, confirmed in trans by DNA studies, and found in a homozygous state in another, both presenting with a beta-thalassemia intermedia phenotype. Total PM3 points are 1.5 [PM3; PMID:3955238; 25332589; Variation ID: 15438]. Hemoglobin biosynthesis assay showed a change in biosynthetic ratio of globins in a heterozygous sample (β/α ratio 0.45-0.55), indicating that this variant impacts protein function. In addition, in vitro splicing assay showed that this variant leads to abnormal RNA processing by creating/utilizing a cryptic splice site in exon 1 of HBB [PS3_P; PMID:6733281; 7104238; 7173395]. The computational predictor SpliceAI gives a Δ score of 0.79 for donor gain in exon 3, which is above the VCEP threshold >0.3, predicting that this variant may affect splicing by disrupting the donor splice site of intron 3 in HBB [PP3]. The minor allele frequency in gnomAD v4.1 is 0.000002479 (4/1613406) alleles, which is lower than the ClinGen Hemoglobinopathy VCEP threshold <0.0001 for PM2_Supporting, and therefore meets this criterion [PM2_P]. In summary, this variant meets the criteria to be classified as pathogenic for beta thalassemia (MONDO:0013517) in an autosomal recessive manner based on the ACMG/AMP criteria applied, as specified by the ClinGen Hemoglobinopathy VCEP (specification version 1.0.0): PP1_S, PS4_M, PM3, PM2_P, PP3, PS3_P.

Natera, Inc.
Classification: Pathogenic for Beta thalassemia. Last evaluated: 2026-01-23. Review status: criteria provided, single submitter. Criteria: Natera Variant Classification Schema (03/2026). Collection method: clinical testing. Allele origin: germline. Not counted in ClinVar's aggregate classification.
Comment: The c.82G>T variant in HBB is a missense variant predicted to cause substitution of alanine to serine at amino acid 28. This variant is rare in the general population with a frequency below the threshold expected for the associated phenotype(s). This variant has been observed in one or more individuals affected with the associated recessive disease, as either homozygous or compound heterozygous with a second variant (PMID: 23321370). Computational prediction algorithms indicate this variant is likely to affect gene or protein function. Given the available evidence, this variant is classified as Pathogenic.

ARUP Laboratories, Molecular Genetics and Genomics, ARUP Laboratories
Classification: Pathogenic. Last evaluated: 2025-07-13. Review status: criteria provided, single submitter. Criteria: ARUP Molecular Germline Variant Investigation Process 2024. Collection method: clinical testing. Allele origin: germline. Not counted in ClinVar's aggregate classification.
Comment: The Hb Knossos variant (HBB: c.82G>T; p.Ala28Ser, also known as Ala27Ser when numbered from the mature protein, rs35424040, HbVar ID: 281) has been reported in multiple unrelated individuals diagnosed with thalassemia intermedia (Altay 1990, Fessas 1982, Orkin 1984, Sirdah 2013), often found in-trans with other pathogenic HBB variants (Altay 1990, Orkin 1984, Sirdah 2013, HbVar and references therein). This variant is listed in ClinVar (Variation ID: 15239), and found in the general population with an overall allele frequency of 0.001% (3/251362 alleles) in the Genome Aggregation Database. Computational analyses predict that the variant activates a nearby cryptic splice donor upstream of the canonical splice site (Alamut v.2.11). Functional studies detected the presence of aberrant mRNA in cells expressing the variant, with a transcript size that is consistent with utilization of the cryptic splice donor predicted by computational algorithms (Orkin 1984). Based on available information, the Hb Knossos variant is considered to be pathogenic. References: Link to HbVar database: Altay C et al. Beta-thalassemia intermedia in Turkey. Ann N Y Acad Sci. 1990; 612:81-9. PMID: 2291577 Fessas P et al. 'Silent' beta-thalassaemia caused by a 'silent' beta-chain mutant: the pathogenesis of a syndrome of thalassaemia intermedia. Br J Haematol. 1982; 51(4):577-83. PMID: 7104238 Orkin S et al. Abnormal processing of beta Knossos RNA. Blood. 1984; 64(1):311-3. PMID: 6733281 Sirdah M et al. The spectrum of B-thalassemia mutations in Gaza Strip, Palestine. Blood Cells Mol Dis. 2013; 50(4):247-51. PMID: 23321370

Quest Diagnostics Nichols Institute San Juan Capistrano
Classification: Pathogenic. Last evaluated: 2024-10-18. Review status: criteria provided, single submitter. Criteria: Quest Diagnostics criteria. Collection method: clinical testing. Allele origin: unknown. Not counted in ClinVar's aggregate classification.
Comment: The HBB c.82G>T (p.Ala28Ser) pathogenic variant, also known as Hb Knossos, is associated with beta (+)-thalassemia. The variant has normal stability but results in decreased oxygen affinity (PMID: 3942130 (1986)). In the published literature, this variant has been reported in multiple affected individuals with clinical presentations ranging from mild microcytosis to severe b-thalassemia intermedia where the more severe cases are associated with homozygosity or compound heterozygosity (PMID: 7173395 (1982), 3955238 (1986), 2467892 (1989), 17949282 (2007), 23321370 (2013), 25332589 (2014), 25087612 (2014), 28276871 (2016), and 30777047 (2019)). In addition, an experimental study showed that this variant causes abnormal splicing of the beta-globin mRNA and reduces the amount of normal beta-globin mRNA synthesized from the mutant allele (PMID: 6733281 (1984)). The frequency of this variant in the general population, 0.000012 (3/251362 chromosomes (Genome Aggregation Database)), is uninformative in the assessment of its pathogenicity. Based on the available information, this variant is classified as pathogenic. Genetic counseling and testing of at-risk relatives are recommended.

GeneDx
Classification: Pathogenic. Last evaluated: 2024-09-29. Review status: criteria provided, single submitter. Criteria: GeneDx Variant Classification Process June 2021. Collection method: clinical testing. Allele origin: germline. Not counted in ClinVar's aggregate classification.
Comment: Published functional studies demonstrate a damaging effect as RNA transcripts are abnormally processed (PMID: 6733281); In silico analysis supports that this missense variant has a deleterious effect on splicing; In silico analysis indicates that this missense variant does not alter protein structure/function; This variant is associated with the following publications: (PMID: 25155404, 19429541, 25087612, 25332589, 3955238, 17949282, 26754299, 31553106, 3942130, 6469698, 28399358, 2467892, 9223924, 30777047, 6733281)

3billion
Classification: Pathogenic for Beta-thalassemia HBB/LCRB. Last evaluated: 2024-08-13. Review status: criteria provided, single submitter. Criteria: ACMG Guidelines, 2015. Collection method: clinical testing. Allele origin: germline. Affected: yes. Not counted in ClinVar's aggregate classification.
Comment: The variant is observed at an extremely low frequency in the gnomAD v4.0.0 dataset (total allele frequency: <0.001%). Predicted Consequence/Location: Missense variant: previously reported to alter splicing (PMID: 6733281). In silico tools predict the variant to alter splicing and produce an abnormal transcript [SpliceAI: 0.79 (spliceogenicity >=0.2, non-spliceogenicity <0.1)]. Missense variant: previously reported to alter splicing (PMID: 6733281). Therefore, this variant is classified as Pathogenic according to the recommendation of ACMG/AMP guideline.